The following is an entry in ClinVar:

NM_001040716.2(PC):c.1702_1706del (p.Thr568fs)

Gene: PC (pyruvate carboxylase; minus strand). Cytogenetic location: 11q13.2.
Variant type: Deletion.
Coding change: c.1702_1706del on transcript NM_001040716.2 (MANE Select); coding-DNA positions 1702 to 1706, 5 bases deleted (ACGAC; older notation c.1702_1706delACGAC).
Protein change: p.Thr568fs; shifts the reading frame from threonine 568.
Molecular consequence: frameshift variant.
Genome position (GRCh38, 1-based): chr11:66,852,558-66,852,562, GTCGT deleted on the plus strand (ACGAC on the coding strand, the reverse complement: PC is on the minus strand); deleting any 5 consecutive bases within chr11:66,852,558-66,852,565 gives the same sequence; the c. name uses the placement nearest the transcript's 3' end. VCF-style (leftmost placement, unchanged base first): chr11-66852557-GGTCGT-G. GRCh37 (hg19) VCF-style: chr11-66620028-GGTCGT-G.
Other names: c.1702_1706del, p.Thr568fs (NM_000920.4, NM_022172.3); short protein forms T568fs.
Identifiers: ClinVar variation 1370133 (VCV001370133.7), dbSNP rs2135814786, ClinGen allele CA2573147606.

ClinVar aggregate classification (germline): Pathogenic. Review status: criteria provided, multiple submitters, no conflicts (2 of 4 stars). 2 submissions from 2 submitters: Pathogenic (2). Last evaluated 2026-07-15.

Conditions:
Pyruvate carboxylase deficiency. Also called: ATAXIA WITH LACTIC ACIDOSIS II; Pyruvate Carboxylase Deficiency Disease; LEIGH NECROTIZING ENCEPHALOPATHY DUE TO PYRUVATE CARBOXYLASE DEFICIENCY; LEIGH SYNDROME DUE TO PYRUVATE CARBOXYLASE DEFICIENCY; PC DEFICIENCY. Identifiers: Orphanet 3008, MedGen C0034341, MONDO:0009949, OMIM 266150.

Submissions (2):

Myriad Genetics, Inc.
Classification: Pathogenic for Pyruvate carboxylase deficiency. Last evaluated: 2026-07-15. Review status: criteria provided, single submitter. Criteria: Myriad Autosomal Dominant, Autosomal Recessive and X-Linked Classification Criteria (2023). Collection method: clinical testing. Allele origin: unknown.
Comment: NM_000920.3(PC):c.1702_1706del5(T568Lfs*44) is expected to be pathogenic in the context of pyruvate carboxylase deficiency. This variant is predicted to lead to an abnormal or absent protein product due to the creation of a premature termination codon in PC, a gene where loss-of-function variants are known to be pathogenic. Please note: this variant was assessed in the context of healthy population screening.

Labcorp Genetics (formerly Invitae), Labcorp
Classification: Pathogenic for Pyruvate carboxylase deficiency. Last evaluated: 2021-05-14. Review status: criteria provided, single submitter. Criteria: Invitae Variant Classification Sherloc (09022015). Collection method: clinical testing. Allele origin: germline.
Comment: For these reasons, this variant has been classified as Pathogenic. This variant has not been reported in the literature in individuals with PC-related conditions. This variant is not present in population databases (ExAC no frequency). This sequence change creates a premature translational stop signal (p.Thr568Leufs*44) in the PC gene. It is expected to result in an absent or disrupted protein product. Loss-of-function variants in PC are known to be pathogenic (PMID: 12112657, 19306334).

Literature cited by the submitters: PubMed 12112657 (cited by Labcorp Genetics (formerly Invitae), Labcorp); PubMed 19306334 (cited by Labcorp Genetics (formerly Invitae), Labcorp).